The following is an entry in ClinVar:

NM_001164508.2(NEB):c.18064A>G (p.Ile6022Val)

Gene: NEB (nebulin; minus strand). Cytogenetic location: 2q23.3.
Variant type: single nucleotide variant.
Coding change: c.18064A>G on transcript NM_001164508.2 (MANE Select); coding-DNA position 18064, A replaced by G.
Protein change: p.Ile6022Val; replaces isoleucine 6022 with valine.
Molecular consequence: missense variant.
Genome position (GRCh38, 1-based): chr2:151,567,260, T>C on the plus strand (A>G on the coding strand, the complement: NEB is on the minus strand). VCF-style: chr2-151567260-T-C. GRCh37 (hg19) VCF-style: chr2-152423774-T-C.
Other names: c.18064A>G, p.Ile6022Val (NM_001164507.2, NM_001271208.2); c.12961A>G, p.Ile4321Val (NM_004543.5); short protein forms I4321V, I6022V.
Identifiers: ClinVar variation 331460 (VCV000331460.22), dbSNP rs574746662, ClinGen allele CA1908047.
Genomic context (GRCh38, chr2:151,567,260, plus strand): 5'-GAATAACATCGTTCTGGTCAGGATGACACATCCATTGGTGCAAGTAATTACGATAATCAA[T>C]ATCACTGACAAGGGTCTGCCCCTGCTTGGCGGCCAAGACTGACACCATATCAGCAGGTAT-3'
Protein context (NP_001157980.2, residues 6012-6032): AKQGQTLVSD[Ile6022Val]DYRNYLHQWM

ClinVar aggregate classification (germline): Conflicting classifications of pathogenicity. Review status: criteria provided, conflicting classifications (1 of 4 stars). 6 submissions from 6 submitters: Uncertain significance (2); Likely benign (2). 2 of the submissions do not count toward it. Last evaluated 2026-01-28.

Conditions:
Nemaline myopathy 2 (NEM2). Also called: Nemaline myopathy 2, autosomal recessive. Identifiers: MedGen C1850569, MONDO:0009725, OMIM 256030.
NEB-related disorder. Also called: NEB-Related Disorders; NEB-related condition.
Inborn genetic diseases. Identifiers: MedGen C0950123, MeSH D030342.

Allele frequency attached by ClinVar (database versions not stated): gnomAD below 0.00001 and 0.00014; TOPMed 0.00004; gnomAD exomes 0.00026 and 0.00050; 1000 Genomes Project 30x 0.00047; ExAC 0.00058; 1000 Genomes Project 0.00060.
gnomAD v4.1: 406 of 1,613,918 alleles (0.025%); highest among the groups gnomAD compares: South Asian, 0.41%; 5 homozygotes.

Submissions (6):

Labcorp Genetics (formerly Invitae), Labcorp
Classification: Likely benign for Nemaline myopathy 2. Last evaluated: 2026-01-28. Review status: criteria provided, single submitter. Criteria: Invitae Variant Classification Sherloc (09022015). Collection method: clinical testing. Allele origin: germline.

Ambry Genetics
Classification: Uncertain significance for Inborn genetic diseases. Last evaluated: 2024-07-09. Review status: criteria provided, single submitter. Criteria: Ambry Variant Classification Scheme 2023. Collection method: clinical testing. Allele origin: germline.

Illumina Laboratory Services, Illumina
Classification: Uncertain significance for Nemaline myopathy 2. Last evaluated: 2018-01-13. Review status: criteria provided, single submitter. Criteria: ICSL Variant Classification Criteria 13 December 2019. Collection method: clinical testing. Allele origin: germline.

GeneDx
Classification: Likely benign. Last evaluated: 2016-09-05. Review status: criteria provided, single submitter. Criteria: GeneDx Variant Classification (06012015). Collection method: clinical testing. Allele origin: germline. Affected: yes.
Comment: This variant is considered likely benign or benign based on one or more of the following criteria: it is a conservative change, it occurs at a poorly conserved position in the protein, it is predicted to be benign by multiple in silico algorithms, and/or has population frequency not consistent with disease.

PreventionGenetics, part of Exact Sciences
Classification: Likely benign for NEB-related condition. Last evaluated: 2020-06-29. Review status: no assertion criteria provided. Collection method: clinical testing. Allele origin: germline. Not counted in ClinVar's aggregate classification.
Comment: This variant is classified as likely benign based on ACMG/AMP sequence variant interpretation guidelines (Richards et al. 2015 PMID: 25741868, with internal and published modifications).

Natera, Inc.
Classification: Likely benign for Nemaline myopathy type 2. Last evaluated: 2020-04-28. Review status: no assertion criteria provided. Collection method: clinical testing. Allele origin: germline. Not counted in ClinVar's aggregate classification.